The following is an entry in ClinVar:

ClinVar aggregate classification (germline): Uncertain significance. Review status: criteria provided, multiple submitters, no conflicts (2 of 4 stars). 3 submissions from 3 submitters: Uncertain significance (2). 1 of the submissions does not count toward it. Last evaluated 2025-05-01.

Conditions:
PKD1-related disorder. Also called: PKD1-related condition.
Inborn genetic diseases. Identifiers: MedGen C0950123, MeSH D030342.
Polycystic kidney disease, adult type (PKD1). Also called: Polycystic Kidney, Autosomal Dominant; POLYCYSTIC KIDNEY DISEASE 1 WITH OR WITHOUT POLYCYSTIC LIVER DISEASE; POLYCYSTIC KIDNEY DISEASE, ADULT, TYPE I; Polycystic Kidney Disease 1, Autosomal Dominant; Polycystic kidney disease 1; Polycystic kidney disease 1, severe. Identifiers: MedGen C3149841, MONDO:0008263, OMIM 173900.

gnomAD v4.1: 30 of 1,612,422 alleles (0.0019%); highest among the groups gnomAD compares: Non-Finnish European, 0.0025%; no homozygotes.

Submissions (3):

Ambry Genetics
Classification: Uncertain significance for Inborn genetic diseases. Last evaluated: 2025-05-01. Review status: criteria provided, single submitter. Criteria: Ambry Variant Classification Scheme 2023. Collection method: clinical testing. Allele origin: germline.

Fulgent Genetics
Classification: Uncertain significance for Polycystic kidney disease, adult type. Last evaluated: 2024-03-27. Review status: criteria provided, single submitter. Criteria: ACMG Guidelines, 2015. Collection method: clinical testing. Allele origin: germline.

PreventionGenetics, part of Exact Sciences
Classification: Uncertain significance for PKD1-related condition. Last evaluated: 2024-04-03. Review status: no assertion criteria provided. Collection method: clinical testing. Allele origin: germline. Not counted in ClinVar's aggregate classification.
Comment: The PKD1 c.12329A>T variant is predicted to result in the amino acid substitution p.Tyr4110Phe. To our knowledge, this variant has not been reported in the literature. This variant is reported in 0.0041% of alleles in individuals of African descent in gnomAD. At this time, the clinical significance of this variant is uncertain due to the absence of conclusive functional and genetic evidence.

NM_001009944.3(PKD1):c.12329A>T (p.Tyr4110Phe)

Gene: PKD1 (polycystin 1, transient receptor potential channel interacting; minus strand). Cytogenetic location: 16p13.3.
Variant type: single nucleotide variant.
Coding change: c.12329A>T on transcript NM_001009944.3 (MANE Select); coding-DNA position 12329, A replaced by T.
Protein change: p.Tyr4110Phe; replaces tyrosine 4110 with phenylalanine.
Molecular consequence: missense variant.
Genome position (GRCh38, 1-based): chr16:2,090,400, T>A on the plus strand (A>T on the coding strand, the complement: PKD1 is on the minus strand). VCF-style: chr16-2090400-T-A. GRCh37 (hg19) VCF-style: chr16-2140401-T-A.
Other names: c.12326A>T (NM_000296.3); c.12326A>T, p.Tyr4109Phe (NM_000296.4); short protein forms Y4109F, Y4110F.
Identifiers: ClinVar variation 3351959 (VCV003351959.3).
Genomic context (GRCh38, chr16:2,090,400, plus strand): 5'-ACCATCTCGTAGTCCTGGGGCTCCCAGGCCGGCCGGTACAGCTCTCCACGCAAGGCGTGG[T>A]AGCGCCAGCGGAGAATAACAGCCCCCAGCCGTAGGGCGCCCCACAGCCGCAGTGCCCAGA-3'
Protein context (NP_001009944.3, residues 4100-4120): RLGAVILRWR[Tyr4110Phe]HALRGELYRP